The following is an entry in ClinVar:

ClinVar aggregate classification (germline): Uncertain significance (1 of 4 stars; one submission).

Conditions:
Renal hypodysplasia/aplasia 1 (RHDA1). Also called: HEREDITARY RENAL APLASIA; RENAL APLASIA. Identifiers: Orphanet 411709, MedGen C1619700, MONDO:0024519, OMIM 191830.

Allele frequency attached by ClinVar (database versions not stated): gnomAD exomes below 0.00001; TOPMed 0.00001; gnomAD 0.00002.
gnomAD v4.1: 4 of 1,561,536 alleles (0.00026%); highest among the groups gnomAD compares: African/African-American, 0.0057%; no homozygotes.

Submission:

Baylor Genetics
Classification: Uncertain significance for Renal hypodysplasia/aplasia 1. Last evaluated: 2019-11-07. Review status: criteria provided, single submitter. Criteria: ACMG Guidelines, 2015. Collection method: clinical testing. Allele origin: unknown. Affected: yes.
Comment: This variant was determined to be of uncertain significance according to ACMG Guidelines, 2015 [PMID:25741868].

NM_003638.3(ITGA8):c.158A>G (p.Lys53Arg)

Gene: ITGA8 (integrin subunit alpha 8; minus strand). Cytogenetic location: 10p13.
Variant type: single nucleotide variant.
Coding change: c.158A>G on transcript NM_003638.3 (MANE Select); coding-DNA position 158, A replaced by G.
Protein change: p.Lys53Arg; replaces lysine 53 with arginine.
Molecular consequence: missense variant.
Genome position (GRCh38, 1-based): chr10:15,719,614, T>C on the plus strand (A>G on the coding strand, the complement: ITGA8 is on the minus strand). VCF-style: chr10-15719614-T-C. GRCh37 (hg19) VCF-style: chr10-15761613-T-C.
Other names: c.158A>G, p.Lys53Arg (NM_001291494.2); short protein forms K53R.
Identifiers: ClinVar variation 1029736 (VCV001029736.2), dbSNP rs1013453104, ClinGen allele CA203490874.
Genomic context (GRCh38, chr10:15,719,614, plus strand): 5'-GCGACTTACGTGCGGGCGTCGGGTATGTGGAAGTCCACGGCGTAGCCGAAGTAGCTGCCC[T>C]TGGGGCCGCTGTACACTGTGAGCTTTTCCACGTCCAGGTTGAACGCCTGACAGGCGGGGG-3'
Protein context (NP_003629.2, residues 43-63): VEKLTVYSGP[Lys53Arg]GSYFGYAVDF